The following is an entry in ClinVar:

NM_000059.4(BRCA2):c.5261A>T (p.Asp1754Val)

Gene: BRCA2 (BRCA2 DNA repair associated; plus strand). Cytogenetic location: 13q13.1.
Variant type: single nucleotide variant.
Coding change: c.5261A>T on transcript NM_000059.4 (MANE Select); coding-DNA position 5261, A replaced by T.
Protein change: p.Asp1754Val; replaces aspartic acid 1754 with valine.
Molecular consequence: missense variant.
Genome position (GRCh38, 1-based): chr13:32,339,616, A>T. VCF-style: chr13-32339616-A-T. GRCh37 (hg19) VCF-style: chr13-32913753-A-T.
Other names: c.5261A>T (NM_000059.3); short protein forms D1754V.
Identifiers: ClinVar variation 1460546 (VCV001460546.11), dbSNP rs772772727, ClinGen allele CA387784725.

ClinVar aggregate classification (germline): Conflicting classifications of pathogenicity. Review status: criteria provided, conflicting classifications (1 of 4 stars). 4 submissions from 4 submitters: Uncertain significance (3); Likely benign (1). Last evaluated 2024-03-05.

Conditions:
Hereditary breast ovarian cancer syndrome. Also called: Hereditary breast and ovarian cancer; Breast and ovarian cancer; BRCA1- and BRCA2-Associated Hereditary Breast and Ovarian Cancer; Hereditary breast and/or ovarian cancer syndrome; Hereditary breast and ovarian cancer syndrome; Hereditary breast and ovarian cancer syndrome (HBOC). Identifiers: Orphanet 145, MedGen C0677776, MeSH D061325, MONDO:0003582. Disease mechanism: loss of function.
Hereditary cancer-predisposing syndrome. Also called: Tumor predisposition; Hereditary neoplastic syndrome; Hereditary Cancer Syndrome; Neoplastic Syndromes, Hereditary. Identifiers: Orphanet 140162, MedGen C0027672, MeSH D009386, MONDO:0015356.

gnomAD v4.1: 1 of 1,611,630 alleles (0.000062%); highest among the groups gnomAD compares: South Asian, 0.0011%; no homozygotes.

Submissions (4):

Labcorp Genetics (formerly Invitae), Labcorp
Classification: Uncertain significance for Hereditary breast ovarian cancer syndrome. Last evaluated: 2024-03-05. Review status: criteria provided, single submitter. Criteria: Invitae Variant Classification Sherloc (09022015). Collection method: clinical testing. Allele origin: germline.
Comment: This sequence change replaces aspartic acid, which is acidic and polar, with valine, which is neutral and non-polar, at codon 1754 of the BRCA2 protein (p.Asp1754Val). This variant is not present in population databases (gnomAD no frequency). This variant has not been reported in the literature in individuals affected with BRCA2-related conditions. ClinVar contains an entry for this variant (Variation ID: 1460546). Advanced modeling of protein sequence and biophysical properties (such as structural, functional, and spatial information, amino acid conservation, physicochemical variation, residue mobility, and thermodynamic stability) performed at Invitae indicates that this missense variant is not expected to disrupt BRCA2 protein function with a negative predictive value of 95%. In summary, the available evidence is currently insufficient to determine the role of this variant in disease. Therefore, it has been classified as a Variant of Uncertain Significance.

GeneDx
Classification: Uncertain significance. Last evaluated: 2024-02-20. Review status: criteria provided, single submitter. Criteria: GeneDx Variant Classification Process June 2021. Collection method: clinical testing. Allele origin: germline. Affected: yes.
Comment: Not observed at significant frequency in large population cohorts (gnomAD); In silico analysis supports that this missense variant has a deleterious effect on protein structure/function; Has not been previously published as pathogenic or benign to our knowledge; Also known as 5489A>T

Ambry Genetics
Classification: Uncertain significance for Hereditary cancer-predisposing syndrome. Last evaluated: 2024-02-14. Review status: criteria provided, single submitter. Criteria: Ambry Variant Classification Scheme 2023. Collection method: clinical testing. Allele origin: germline.
Comment: The p.D1754V variant (also known as c.5261A>T), located in coding exon 10 of the BRCA2 gene, results from an A to T substitution at nucleotide position 5261. The aspartic acid at codon 1754 is replaced by valine, an amino acid with highly dissimilar properties. This amino acid position is not well conserved in available vertebrate species. In addition, this alteration is predicted to be tolerated by in silico analysis. Based on the available evidence, the clinical significance of this alteration remains unclear.

University of Washington Department of Laboratory Medicine, University of Washington
Classification: Likely benign for Hereditary cancer-predisposing syndrome. Last evaluated: 2023-03-23. Review status: criteria provided, single submitter. Criteria: Dines et al. (Genet Med. 2020). Collection method: curation. Allele origin: germline.
Comment: Missense variant in a coldspot region where missense variants are very unlikely to be pathogenic (PMID:31911673).

BRCA2 exon 11 coldspot. Reclassification based on statistical prior probability.